The following is an entry in ClinVar:

NM_000444.6(PHEX):c.1843A>C (p.Thr615Pro)

Genes: PHEX (phosphate regulating endopeptidase X-linked; plus strand), PTCHD1-AS (PTCHD1 and PHEX antisense RNA; minus strand). Cytogenetic location: Xp22.11.
Variant type: single nucleotide variant.
Coding change: c.1843A>C on transcript NM_000444.6 (MANE Select); coding-DNA position 1843, A replaced by C.
Protein change: p.Thr615Pro; replaces threonine 615 with proline.
Molecular consequence: missense variant.
Genome position (GRCh38, 1-based): chrX:22,221,687, A>C. VCF-style: chrX-22221687-A-C. GRCh37 (hg19) VCF-style: chrX-22239804-A-C.
Other names: c.1843A>C, p.Thr615Pro (NM_001282754.2); short protein forms T615P.
Identifiers: ClinVar variation 2169633 (VCV002169633.4), dbSNP rs2518664469, ClinGen allele CA412573744.
Genomic context (GRCh38, chrX:22,221,687, plus strand): 5'-AAAAATGGAAACCTGGATCCTTGGTGGTCTACTGAATCAGAAGAAAAGTTTAAGGAAAAA[A>C]CAAAATGCATGATTAACCAGTATAGCAACTATTATTGGAAGAAAGCTGGCTTAAATGTGA-3'
Protein context (NP_000435.3, residues 605-625): TESEEKFKEK[Thr615Pro]KCMINQYSNY

ClinVar aggregate classification (germline): Likely pathogenic (1 of 4 stars; one submission).

Submission:

Labcorp Genetics (formerly Invitae), Labcorp
Classification: Likely pathogenic. Last evaluated: 2023-04-20. Review status: criteria provided, single submitter. Criteria: Invitae Variant Classification Sherloc (09022015). Collection method: clinical testing. Allele origin: germline.
Comment: This sequence change replaces threonine, which is neutral and polar, with proline, which is neutral and non-polar, at codon 615 of the PHEX protein (p.Thr615Pro). This variant is not present in population databases (gnomAD no frequency). This missense change has been observed in individual(s) with clinical features of hypophosphatemic rickets (PMID: 30682568; Invitae). ClinVar contains an entry for this variant (Variation ID: 2169633). Advanced modeling of protein sequence and biophysical properties (such as structural, functional, and spatial information, amino acid conservation, physicochemical variation, residue mobility, and thermodynamic stability) performed at Invitae indicates that this missense variant is expected to disrupt PHEX protein function. In summary, the currently available evidence indicates that the variant is pathogenic, but additional data are needed to prove that conclusively. Therefore, this variant has been classified as Likely Pathogenic.

Literature cited by the submitters: PubMed 30682568.